The following is an entry in ClinVar:

ClinVar aggregate classification (germline): Uncertain significance. Review status: criteria provided, multiple submitters, no conflicts (2 of 4 stars). 5 submissions from 5 submitters: Uncertain significance (5). Last evaluated 2025-11-24.

Conditions:
DICER1-related tumor predisposition. Also called: DICER1 syndrome; DICER1-related pleuropulmonary blastoma cancer predisposition syndrome. Identifiers: Orphanet 284343, MedGen C3839822, MONDO:0100216.
Global developmental delay - lung cysts - overgrowth - Wilms tumor syndrome. Also called: GLOBAL DEVELOPMENTAL DELAY, LUNG CYSTS, OVERGROWTH, AND WILMS TUMOR; GLOW Syndrome. Identifiers: Orphanet 404476, MedGen C4748924, MONDO:0018445, OMIM 618272.
Hereditary cancer-predisposing syndrome. Also called: Hereditary neoplastic syndrome; Neoplastic Syndromes, Hereditary; Hereditary Cancer Syndrome; Tumor predisposition. Identifiers: Orphanet 140162, MedGen C0027672, MeSH D009386, MONDO:0015356.

Allele frequency attached by ClinVar (database versions not stated): TOPMed below 0.00001; gnomAD 0.00001; gnomAD exomes 0.00001; ExAC 0.00003; 1000 Genomes Project 30x 0.00016; 1000 Genomes Project 0.00020.
gnomAD v4.1: 7 of 1,614,170 alleles (0.00043%); highest among the groups gnomAD compares: South Asian, 0.0077%; no homozygotes.

Submissions (5):

Labcorp Genetics (formerly Invitae), Labcorp
Classification: Uncertain significance for DICER1-related tumor predisposition. Last evaluated: 2025-11-24. Review status: criteria provided, single submitter. Criteria: Invitae Variant Classification Sherloc (09022015). Collection method: clinical testing. Allele origin: germline.
Comment: This sequence change replaces histidine, which is basic and polar, with proline, which is neutral and non-polar, at codon 1124 of the DICER1 protein (p.His1124Pro). This variant is present in population databases (rs534996867, gnomAD 0.01%). This variant has not been reported in the literature in individuals affected with DICER1-related conditions. ClinVar contains an entry for this variant (Variation ID: 571626). Invitae Evidence Modeling of protein sequence and biophysical properties (such as structural, functional, and spatial information, amino acid conservation, physicochemical variation, residue mobility, and thermodynamic stability) indicates that this missense variant is not expected to disrupt DICER1 protein function with a negative predictive value of 95%. In summary, the available evidence is currently insufficient to determine the role of this variant in disease. Therefore, it has been classified as a Variant of Uncertain Significance.

GeneDx
Classification: Uncertain significance. Last evaluated: 2025-10-01. Review status: criteria provided, single submitter. Criteria: GeneDx Variant Classification Process June 2021. Collection method: clinical testing. Allele origin: germline. Affected: yes.
Comment: Not observed at significant frequency in large population cohorts (gnomAD); In silico analysis suggests that this missense variant does not alter protein structure/function; Reported in the literature in a patient with neuroblastoma (PMID: 34301788); This variant is associated with the following publications: (PMID: 34301788)

Baylor Genetics
Classification: Uncertain significance for Global developmental delay - lung cysts - overgrowth - Wilms tumor syndrome. Last evaluated: 2024-03-22. Review status: criteria provided, single submitter. Criteria: ACMG Guidelines, 2015. Collection method: clinical testing. Allele origin: unknown.

Ambry Genetics
Classification: Uncertain significance for Hereditary cancer-predisposing syndrome. Last evaluated: 2023-07-01. Review status: criteria provided, single submitter. Criteria: Ambry Variant Classification Scheme 2023. Collection method: clinical testing. Allele origin: germline.
Comment: The p.H1124P variant (also known as c.3371A>C), located in coding exon 20 of the DICER1 gene, results from an A to C substitution at nucleotide position 3371. The histidine at codon 1124 is replaced by proline, an amino acid with similar properties. This amino acid position is well conserved in available vertebrate species. In addition, the in silico prediction for this alteration is inconclusive. Since supporting evidence is limited at this time, the clinical significance of this alteration remains unclear.

St. Jude Molecular Pathology, St. Jude Children's Research Hospital
Classification: Uncertain significance for DICER1-related tumor predisposition. Last evaluated: 2020-09-16. Review status: criteria provided, single submitter. Criteria: St. Jude Assertion Criteria 2020. Collection method: clinical testing. Allele origin: germline.

NM_177438.3(DICER1):c.3371A>C (p.His1124Pro)

Gene: DICER1 (dicer 1, ribonuclease III; minus strand). Cytogenetic location: 14q32.13.
Variant type: single nucleotide variant.
Coding change: c.3371A>C on transcript NM_177438.3 (MANE Select); coding-DNA position 3371, A replaced by C.
Protein change: p.His1124Pro; replaces histidine 1124 with proline.
Molecular consequence: missense variant.
Genome position (GRCh38, 1-based): chr14:95,104,025, T>G on the plus strand (A>C on the coding strand, the complement: DICER1 is on the minus strand). VCF-style: chr14-95104025-T-G. GRCh37 (hg19) VCF-style: chr14-95570362-T-G.
Other names: c.3371A>C, p.His1124Pro (NM_001195573.1, NM_001271282.3, NM_001291628.2 and 1 more transcripts); short protein forms H1124P.
Identifiers: ClinVar variation 571626 (VCV000571626.20), dbSNP rs534996867, ClinGen allele CA7331050.